The following is an entry in ClinVar:

NM_152393.4(KLHL40):c.269A>G (p.Tyr90Cys)

Gene: KLHL40 (kelch like family member 40; plus strand). Cytogenetic location: 3p22.1.
Variant type: single nucleotide variant.
Coding change: c.269A>G on transcript NM_152393.4 (MANE Select); coding-DNA position 269, A replaced by G.
Protein change: p.Tyr90Cys; replaces tyrosine 90 with cysteine.
Molecular consequence: missense variant.
Genome position (GRCh38, 1-based): chr3:42,685,887, A>G. VCF-style: chr3-42685887-A-G. GRCh37 (hg19) VCF-style: chr3-42727379-A-G.
Other names: short protein forms Y90C.
Identifiers: ClinVar variation 3701250 (VCV003701250.2).

ClinVar aggregate classification (germline): Uncertain significance (1 of 4 stars; one submission).

Conditions:
Nemaline myopathy 8 (NEM8). Also called: Nemaline myopathy 8, autosomal recessive. Identifiers: Orphanet 171430, MedGen C3809209, MONDO:0014138, OMIM 615348.

Submission:

Labcorp Genetics (formerly Invitae), Labcorp
Classification: Uncertain significance for Nemaline myopathy 8. Last evaluated: 2024-05-28. Review status: criteria provided, single submitter. Criteria: Invitae Variant Classification Sherloc (09022015). Collection method: clinical testing. Allele origin: germline.
Comment: This sequence change replaces tyrosine, which is neutral and polar, with cysteine, which is neutral and slightly polar, at codon 90 of the KLHL40 protein (p.Tyr90Cys). This variant is not present in population databases (gnomAD no frequency). This variant has not been reported in the literature in individuals affected with KLHL40-related conditions. Advanced modeling of protein sequence and biophysical properties (such as structural, functional, and spatial information, amino acid conservation, physicochemical variation, residue mobility, and thermodynamic stability) has been performed at Invitae for this missense variant, however the output from this modeling did not meet the statistical confidence thresholds required to predict the impact of this variant on KLHL40 protein function. In summary, the available evidence is currently insufficient to determine the role of this variant in disease. Therefore, it has been classified as a Variant of Uncertain Significance.